The following is an entry in ClinVar:

NM_018718.3(CEP41):c.725G>A (p.Arg242His)

Gene: CEP41 (centrosomal protein 41; minus strand). Cytogenetic location: 7q32.2.
Variant type: single nucleotide variant.
Coding change: c.725G>A on transcript NM_018718.3 (MANE Select); coding-DNA position 725, G replaced by A.
Protein change: p.Arg242His; replaces arginine 242 with histidine.
Molecular consequence: missense variant. On other transcripts: non-coding transcript variant (1).
Genome position (GRCh38, 1-based): chr7:130,400,739, C>T on the plus strand (G>A on the coding strand, the complement: CEP41 is on the minus strand). VCF-style: chr7-130400739-C-T. GRCh37 (hg19) VCF-style: chr7-130040580-C-T.
Other names: c.725G>A, p.Arg242His (NM_001257158.2); c.677G>A, p.Arg226His (NM_001257159.2); short protein forms R226H, R242H.
Identifiers: ClinVar variation 982144 (VCV000982144.7), dbSNP rs191246968, ClinGen allele CA4485483.

ClinVar aggregate classification (germline): Uncertain significance. Review status: criteria provided, multiple submitters, no conflicts (2 of 4 stars). 3 submissions from 3 submitters: Uncertain significance (2). 1 of the submissions does not count toward it. Last evaluated 2022-07-01.

Conditions:
Familial Autism Spectrum Disorder.
Joubert syndrome 15 (JBTS15). Identifiers: Orphanet 475, MedGen C3280897, MONDO:0013763, OMIM 614464.

Allele frequency attached by ClinVar (database versions not stated): gnomAD exomes 0.00002 and 0.00003; ExAC 0.00003; gnomAD 0.00003; TOPMed 0.00003; ESP Exome Variant Server 0.00008; 1000 Genomes Project 0.00020; 1000 Genomes Project 30x 0.00031.
gnomAD v4.1: 32 of 1,613,366 alleles (0.002%); highest among the groups gnomAD compares: Admixed American, 0.005%; no homozygotes.

Submissions (3):

Labcorp Genetics (formerly Invitae), Labcorp
Classification: Uncertain significance for Joubert syndrome 15. Last evaluated: 2022-07-01. Review status: criteria provided, single submitter. Criteria: Invitae Variant Classification Sherloc (09022015). Collection method: clinical testing. Allele origin: germline.
Comment: This sequence change replaces arginine, which is basic and polar, with histidine, which is basic and polar, at codon 242 of the CEP41 protein (p.Arg242His). This variant is present in population databases (rs191246968, gnomAD 0.007%). This variant has not been reported in the literature in individuals affected with CEP41-related conditions. ClinVar contains an entry for this variant (Variation ID: 982144). Algorithms developed to predict the effect of missense changes on protein structure and function (SIFT, PolyPhen-2, Align-GVGD) all suggest that this variant is likely to be disruptive. In summary, the available evidence is currently insufficient to determine the role of this variant in disease. Therefore, it has been classified as a Variant of Uncertain Significance.

Fulgent Genetics
Classification: Uncertain significance for Joubert syndrome 15. Last evaluated: 2022-04-29. Review status: criteria provided, single submitter. Criteria: ACMG Guidelines, 2015. Collection method: clinical testing. Allele origin: unknown.

University of Washington Center for Mendelian Genomics, University of Washington
Classification: Likely pathogenic for Familial Autism Spectrum Disorder. Review status: no assertion criteria provided. Collection method: research. Allele origin: inherited. Affected: yes. Not counted in ClinVar's aggregate classification.

Literature cited by the submitters: PubMed 30664616 (cited by University of Washington Center for Mendelian Genomics, University of Washington).